The following is an entry in ClinVar:

NM_001128178.3(NPHP1):c.555del (p.Lys185fs)

Gene: NPHP1 (nephrocystin 1; minus strand). Cytogenetic location: 2q13.
Variant type: Deletion.
Coding change: c.555del on transcript NM_001128178.3 (MANE Select); coding-DNA position 555, one base deleted (A; older notation c.555delA).
Protein change: p.Lys185fs; shifts the reading frame from lysine 185.
Molecular consequence: frameshift variant.
Genome position (GRCh38, 1-based): chr2:110,168,521, T deleted on the plus strand (A on the coding strand, the reverse complement: NPHP1 is on the minus strand); the first of 8 consecutive T bases (chr2:110,168,521-110,168,528); deleting any one gives the same sequence. VCF-style (leftmost placement, unchanged base first): chr2-110168520-GT-G. GRCh37 (hg19) VCF-style: chr2-110926097-GT-G.
Other names: c.555delA (NM_000272.3); c.555del, p.Lys185fs (NM_000272.5, NM_001374256.1, NM_001374257.1 and 1 more transcripts); c.369del, p.Lys123fs (NM_001128179.3); short protein forms K185fs, K123fs.
Identifiers: ClinVar variation 638899 (VCV000638899.15), dbSNP rs766524637, ClinGen allele CA1827356.

ClinVar aggregate classification (germline): Pathogenic. Review status: criteria provided, multiple submitters, no conflicts (2 of 4 stars). 5 submissions from 5 submitters: Pathogenic (5). Last evaluated 2026-06-23.

Conditions:
NPHP1-related disorder. Also called: NPHP1-related condition; NPHP1-related disorders.
Nephronophthisis. Also called: Juvenile Nephronophthisis. Identifiers: Orphanet 655, MedGen C0687120, MONDO:0019005, HP:0000090.
Joubert syndrome with renal defect. Also called: JOUBERT SYNDROME 4. Identifiers: Orphanet 220497, MedGen C1846790, MONDO:0012308, OMIM 609583.

Submissions (5):

PreventionGenetics, part of Exact Sciences
Classification: Pathogenic for NPHP1-related condition. Last evaluated: 2026-06-23. Review status: criteria provided, single submitter. Criteria: ACMG Guidelines, 2015. Collection method: clinical testing. Allele origin: germline.
Comment: The NPHP1 c.555delA variant is predicted to result in a frameshift and premature protein termination (p.Lys185Asnfs*7). This variant has been reported in the homozygous or compound heterozygous state in two individuals diagnosed with Joubert syndrome (Srour et al. 2015. PubMed ID: 26477546). This variant is reported in 0.0054% of alleles in individuals of European (Non-Finnish) descent in gnomAD. Frameshift variants in NPHP1 are expected to be pathogenic. This variant is interpreted as pathogenic.

Labcorp Genetics (formerly Invitae), Labcorp
Classification: Pathogenic for Nephronophthisis. Last evaluated: 2025-12-11. Review status: criteria provided, single submitter. Criteria: Invitae Variant Classification Sherloc (09022015). Collection method: clinical testing. Allele origin: germline.
Comment: This sequence change creates a premature translational stop signal (p.Lys185Asnfs*7) in the NPHP1 gene. It is expected to result in an absent or disrupted protein product. Loss-of-function variants in NPHP1 are known to be pathogenic (PMID: 23559409). The frequency data for this variant in the population databases is considered unreliable, as metrics indicate poor data quality at this position in the gnomAD database. This premature translational stop signal has been observed in individual(s) with Joubert syndrome (PMID: 26477546). ClinVar contains an entry for this variant (Variation ID: 638899). Algorithms developed to predict the effect of sequence changes on RNA splicing suggest that this variant may disrupt the consensus splice site. For these reasons, this variant has been classified as Pathogenic.

Blueprint Genetics
Classification: Pathogenic for NPHP1-related disorders. Last evaluated: 2024-05-07. Review status: criteria provided, single submitter. Criteria: ACMG Guidelines, 2015. Collection method: clinical testing. Allele origin: germline. Affected: yes. Observed: 5 variant alleles.

Baylor Genetics
Classification: Pathogenic for Joubert syndrome with renal defect. Last evaluated: 2023-11-20. Review status: criteria provided, single submitter. Criteria: ACMG Guidelines, 2015. Collection method: clinical testing. Allele origin: unknown.

Johns Hopkins Genomics, Johns Hopkins University
Classification: Pathogenic for Joubert syndrome with renal defect. Last evaluated: 2020-09-24. Review status: criteria provided, single submitter. Criteria: ACMG Guidelines, 2015. Collection method: clinical testing. Allele origin: germline.
Comment: This frameshift variant results in a premature stop codon, likely leading to nonsense-mediated decay and lack of protein production. This NPHP1 variant (rs577698811) is rare (<0.1%) in a large population dataset (gnomAD: 9/282044 total alleles; 0.003%; no homozygotes), and has been reported in ClinVar. We consider this variant to be pathogenic.

Literature cited by the submitters: PubMed 23559409 (cited by Labcorp Genetics (formerly Invitae), Labcorp); PubMed 26477546 (cited by Labcorp Genetics (formerly Invitae), Labcorp and Johns Hopkins Genomics, Johns Hopkins University).